The following is an entry in ClinVar:

ClinVar aggregate classification (germline): Uncertain significance (1 of 4 stars; one submission).

Submission:

Women's Health and Genetics/Laboratory Corporation of America, LabCorp
Classification: Uncertain significance. Last evaluated: 2022-12-08. Review status: criteria provided, single submitter. Criteria: LabCorp Variant Classification Summary - May 2015. Collection method: clinical testing. Allele origin: germline.
Comment: Variant summary: COL6A3 c.2655G>T (p.Lys885Asn) results in a non-conservative amino acid change located in the von Willebrand factor, type A domain (IPR002035) of the encoded protein sequence. Three of five in-silico tools predict a benign effect of the variant on protein function. The variant was absent in 251340 control chromosomes (gnomAD). The available data on variant occurrences in the general population are insufficient to allow any conclusion about variant significance. To our knowledge, no occurrence of c.2655G>T in individuals affected with Ullrich Congenital Muscular Dystrophy 1 and no experimental evidence demonstrating its impact on protein function have been reported. No clinical diagnostic laboratories have submitted clinical-significance assessments for this variant to ClinVar after 2014. Based on the evidence outlined above, the variant was classified as uncertain significance.

NM_004369.4(COL6A3):c.2655G>T (p.Lys885Asn)

Gene: COL6A3 (collagen type VI alpha 3 chain; minus strand). Cytogenetic location: 2q37.3.
Variant type: single nucleotide variant.
Coding change: c.2655G>T on transcript NM_004369.4 (MANE Select); coding-DNA position 2655, G replaced by T.
Protein change: p.Lys885Asn; replaces lysine 885 with asparagine.
Molecular consequence: missense variant.
Genome position (GRCh38, 1-based): chr2:237,377,187, C>A on the plus strand (G>T on the coding strand, the complement: COL6A3 is on the minus strand). VCF-style: chr2-237377187-C-A. GRCh37 (hg19) VCF-style: chr2-238285830-C-A.
Other names: c.1434G>T, p.Lys478Asn (NM_057164.5); c.2037G>T, p.Lys679Asn (NM_057165.5, NM_057167.4); c.834G>T, p.Lys278Asn (NM_057166.5); short protein forms K885N, K478N, K679N, K278N.
Identifiers: ClinVar variation 1878251 (VCV001878251.1), dbSNP rs2469914229, ClinGen allele CA351211042.
Genomic context (GRCh38, chr2:237,377,187, plus strand): 5'-TCTCTTCACAAGATTCAGGATCTCAGGCTTACTCTGGTGCTCATCAAAACGGGACTCCAC[C>A]TTGACATCATCGCTGTACTGAGCCACCGCAATTCGGGTCCCCTCTGGCTTCACATTGAGC-3'
Protein context (NP_004360.2, residues 875-895): IAVAQYSDDV[Lys885Asn]VESRFDEHQS